The following is an entry in ClinVar:

ClinVar aggregate classification (germline): Uncertain significance (1 of 4 stars; one submission).

Conditions:
Meckel-Gruber syndrome. Also called: DYSENCEPHALIA SPLANCHNOCYSTICA; GRUBER SYNDROME; Dysencephalia splachnocystica. Identifiers: Orphanet 564, MedGen C0265215, MONDO:0018921.
Joubert syndrome. Also called: CEREBELLOPARENCHYMAL DISORDER IV; JOUBERT-BOLTSHAUSER SYNDROME; Familial aplasia of the vermis. Identifiers: Orphanet 475, MedGen C5979921, MONDO:0018772.

Allele frequency attached by ClinVar (database versions not stated): gnomAD exomes below 0.00001.

Submission:

Labcorp Genetics (formerly Invitae), Labcorp
Classification: Uncertain significance for Joubert syndrome; Meckel-Gruber syndrome. Last evaluated: 2022-11-22. Review status: criteria provided, single submitter. Criteria: Invitae Variant Classification Sherloc (09022015). Collection method: clinical testing. Allele origin: germline.
Comment: Advanced modeling of protein sequence and biophysical properties (such as structural, functional, and spatial information, amino acid conservation, physicochemical variation, residue mobility, and thermodynamic stability) performed at Invitae indicates that this missense variant is not expected to disrupt RPGRIP1L protein function. ClinVar contains an entry for this variant (Variation ID: 1469359). This variant has not been reported in the literature in individuals affected with RPGRIP1L-related conditions. This variant is not present in population databases (gnomAD no frequency). This sequence change replaces alanine, which is neutral and non-polar, with valine, which is neutral and non-polar, at codon 168 of the RPGRIP1L protein (p.Ala168Val). In summary, the available evidence is currently insufficient to determine the role of this variant in disease. Therefore, it has been classified as a Variant of Uncertain Significance.

NM_015272.5(RPGRIP1L):c.503C>T (p.Ala168Val)

Gene: RPGRIP1L (RPGRIP1 like; minus strand). Cytogenetic location: 16q12.2.
Variant type: single nucleotide variant.
Coding change: c.503C>T on transcript NM_015272.5 (MANE Select); coding-DNA position 503, C replaced by T.
Protein change: p.Ala168Val; replaces alanine 168 with valine.
Molecular consequence: missense variant.
Genome position (GRCh38, 1-based): chr16:53,692,092, G>A on the plus strand (C>T on the coding strand, the complement: RPGRIP1L is on the minus strand). VCF-style: chr16-53692092-G-A. GRCh37 (hg19) VCF-style: chr16-53726004-G-A.
Other names: c.503C>T, p.Ala168Val (NM_001127897.4, NM_001308334.3, NM_001330538.2); short protein forms A168V.
Identifiers: ClinVar variation 1469359 (VCV001469359.6), dbSNP rs926999229, ClinGen allele CA281375149.